The following is an entry in ClinVar:

ClinVar aggregate classification (germline): Uncertain significance (1 of 4 stars; one submission).

Conditions:
Hypertrophic cardiomyopathy. Also called: HYPERTROPHIC MYOCARDIOPATHY. Identifiers: Orphanet 217569, MedGen C0007194, MeSH D002312, MONDO:0005045, HP:0001639.

Submission:

Labcorp Genetics (formerly Invitae), Labcorp
Classification: Uncertain significance for Hypertrophic cardiomyopathy. Last evaluated: 2025-12-16. Review status: criteria provided, single submitter. Criteria: Invitae Variant Classification Sherloc (09022015). Collection method: clinical testing. Allele origin: germline.
Comment: This sequence change replaces alanine, which is neutral and non-polar, with threonine, which is neutral and polar, at codon 78 of the TPM1 protein (p.Ala78Thr). This variant is not present in population databases (gnomAD no frequency). This variant has not been reported in the literature in individuals affected with TPM1-related conditions. An algorithm developed to predict the effect of missense changes on protein structure and function (PolyPhen-2) suggests that this variant is likely to be tolerated. In summary, the available evidence is currently insufficient to determine the role of this variant in disease. Therefore, it has been classified as a Variant of Uncertain Significance.

NM_001018005.2(TPM1):c.232G>A (p.Ala78Thr)

Gene: TPM1 (tropomyosin 1; plus strand). Cytogenetic location: 15q22.2.
Variant type: single nucleotide variant.
Coding change: c.232G>A on transcript NM_001018005.2 (MANE Select); coding-DNA position 232, G replaced by A.
Protein change: p.Ala78Thr; replaces alanine 78 with threonine.
Molecular consequence: missense variant. On other transcripts: non-coding transcript variant (12), intron variant (10).
Genome position (GRCh38, 1-based): chr15:63,044,144, G>A. VCF-style: chr15-63044144-G-A. GRCh37 (hg19) VCF-style: chr15-63336343-G-A.
Other names: c.232G>A, p.Ala78Thr (NM_000366.6, NM_001018004.2, NM_001018006.2 and 10 more transcripts); c.358G>A, p.Ala120Thr (NM_001365778.1, NM_001407322.1, NM_001407323.1 and 1 more transcripts); c.240+313G>A (NM_001407336.1, NM_001018020.2, NM_001407338.1 and 7 more transcripts); short protein forms A120T, A78T.
Identifiers: ClinVar variation 4763028 (VCV004763028.1).